The following is an entry in ClinVar:

NM_001370259.2(MEN1):c.742G>C (p.Asp248His)

Gene: MEN1 (menin 1; minus strand). Cytogenetic location: 11q13.1.
Variant type: single nucleotide variant.
Coding change: c.742G>C on transcript NM_001370259.2 (MANE Select); coding-DNA position 742, G replaced by C.
Protein change: p.Asp248His; replaces aspartic acid 248 with histidine.
Molecular consequence: missense variant.
Genome position (GRCh38, 1-based): chr11:64,807,593, C>G on the plus strand (G>C on the coding strand, the complement: MEN1 is on the minus strand). VCF-style: chr11-64807593-C-G. GRCh37 (hg19) VCF-style: chr11-64575065-C-G.
Other names: c.757G>C, p.Asp253His (NM_000244.4, NM_001407145.1, NM_001407150.1 and 5 more transcripts); c.742G>C, p.Asp248His (NM_001370251.2, NM_001370260.2, NM_001370261.2 and 7 more transcripts); c.637G>C, p.Asp213His (NM_001370262.2, NM_001370263.2, NM_001407148.1 and 2 more transcripts); short protein forms D213H, D253H, D248H.
Identifiers: ClinVar variation 1758879 (VCV001758879.3), dbSNP rs764433361, ClinGen allele CA381184341.

ClinVar aggregate classification (germline): Uncertain significance (1 of 4 stars; one submission).

Conditions:
Hereditary cancer-predisposing syndrome. Also called: Neoplastic Syndromes, Hereditary; Tumor predisposition; Hereditary Cancer Syndrome; Hereditary neoplastic syndrome. Identifiers: Orphanet 140162, MedGen C0027672, MeSH D009386, MONDO:0015356.

Submission:

Ambry Genetics
Classification: Uncertain significance for Hereditary cancer-predisposing syndrome. Last evaluated: 2026-03-24. Review status: criteria provided, single submitter. Criteria: Ambry Variant Classification Scheme 2023. Collection method: clinical testing. Allele origin: germline.
Comment: The p.D248H variant (also known as c.742G>C), located in coding exon 3 of the MEN1 gene, results from a G to C substitution at nucleotide position 742. The aspartic acid at codon 248 is replaced by histidine, an amino acid with similar properties. This amino acid position is highly conserved in available vertebrate species. In addition, this alteration is predicted to be deleterious by in silico analysis. Based on the available evidence, the clinical significance of this variant remains unclear.